The following is an entry in ClinVar:

NM_020964.3(EPG5):c.5399G>T (p.Gly1800Val)

Gene: EPG5 (ectopic P-granules 5 autophagy tethering factor; minus strand). Cytogenetic location: 18q12.3.
Variant type: single nucleotide variant.
Coding change: c.5399G>T on transcript NM_020964.3 (MANE Select); coding-DNA position 5399, G replaced by T.
Protein change: p.Gly1800Val; replaces glycine 1800 with valine.
Molecular consequence: missense variant.
Genome position (GRCh38, 1-based): chr18:45,882,393, C>A on the plus strand (G>T on the coding strand, the complement: EPG5 is on the minus strand). VCF-style: chr18-45882393-C-A. GRCh37 (hg19) VCF-style: chr18-43462358-C-A.
Other names: c.5399G>T, p.Gly1800Val (NM_001410858.1, NM_001410859.1); short protein forms G1800V.
Identifiers: ClinVar variation 2134853 (VCV002134853.4), dbSNP rs2511592480, ClinGen allele CA402344827.

ClinVar aggregate classification (germline): Uncertain significance (1 of 4 stars; one submission).

Conditions:
Vici syndrome (VICIS). Identifiers: Orphanet 1493, MedGen C1855772, MONDO:0009452, OMIM 242840.

Submission:

Labcorp Genetics (formerly Invitae), Labcorp
Classification: Uncertain significance for Vici syndrome. Last evaluated: 2022-05-06. Review status: criteria provided, single submitter. Criteria: Invitae Variant Classification Sherloc (09022015). Collection method: clinical testing. Allele origin: germline.
Comment: In summary, the available evidence is currently insufficient to determine the role of this variant in disease. Therefore, it has been classified as a Variant of Uncertain Significance. Algorithms developed to predict the effect of missense changes on protein structure and function are either unavailable or do not agree on the potential impact of this missense change (SIFT: "Deleterious"; PolyPhen-2: "Probably Damaging"; Align-GVGD: "Class C0"). This variant has not been reported in the literature in individuals affected with EPG5-related conditions. This variant is not present in population databases (gnomAD no frequency). This sequence change replaces glycine, which is neutral and non-polar, with valine, which is neutral and non-polar, at codon 1800 of the EPG5 protein (p.Gly1800Val).